The following is an entry in ClinVar:

ClinVar aggregate classification (germline): Likely pathogenic (1 of 4 stars; one submission).

Conditions:
Dihydropteridine reductase deficiency (HPABH4C). Also called: Hyperphenylalaninemia due to dihydropteridine reductase deficiency; Hyperphenylalaninemia, BH-4-deficient, C; Phenylketonuria type 2; Phenylketonuria II; BH4-Deficient Hyperphenylalaninemia C; HYPERPHENYLALANINEMIA, TETRAHYDROBIOPTERIN-DEFICIENT, DUE TO DHPR DEFICIENCY. Identifiers: Orphanet 226, Orphanet 238583, MedGen C0268465, MONDO:0009862, OMIM 261630.

Allele frequency attached by ClinVar (database versions not stated): TOPMed below 0.00001; gnomAD 0.00001.

Submission:

Labcorp Genetics (formerly Invitae), Labcorp
Classification: Likely pathogenic for Dihydropteridine reductase deficiency. Last evaluated: 2018-10-16. Review status: criteria provided, single submitter. Criteria: Invitae Variant Classification Sherloc (09022015). Collection method: clinical testing. Allele origin: germline.
Comment: This sequence change affects an acceptor splice site in intron 5 of the QDPR gene. It is expected to disrupt RNA splicing and likely results in an absent or disrupted protein product. This variant is not present in population databases (ExAC no frequency). This variant has not been reported in the literature in individuals with QDPR-related disease. Algorithms developed to predict the effect of sequence changes on RNA splicing suggest that this variant may disrupt the consensus splice site, but this prediction has not been confirmed by published transcriptional studies. Donor and acceptor splice site variants typically lead to a loss of protein function (PMID: 16199547), and loss-of-function variants in QDPR are known to be pathogenic (PMID: 7627180, 11153907). In summary, the currently available evidence indicates that the variant is pathogenic, but additional data are needed to prove that conclusively. Therefore, this variant has been classified as Likely Pathogenic.

Literature cited by the submitters: PubMed 16199547; PubMed 7627180; PubMed 11153907.

NM_000320.3(QDPR):c.546-2A>G

Gene: QDPR (quinoid dihydropteridine reductase; minus strand). Cytogenetic location: 4p15.32.
Variant type: single nucleotide variant.
Coding change: c.546-2A>G on transcript NM_000320.3 (MANE Select); the canonical splice acceptor site of the intron before coding-DNA position 546, A replaced by G.
Molecular consequence: splice acceptor variant.
Genome position (GRCh38, 1-based): chr4:17,490,747, T>C on the plus strand (A>G on the coding strand, the complement: QDPR is on the minus strand). VCF-style: chr4-17490747-T-C. GRCh37 (hg19) VCF-style: chr4-17492370-T-C.
Other names: c.453-2A>G (NM_001306140.2).
Identifiers: ClinVar variation 657153 (VCV000657153.7), dbSNP rs1577184852, ClinGen allele CA356444544.